The following is an entry in ClinVar:

ClinVar aggregate classification (germline): Uncertain significance (1 of 4 stars; one submission).

Conditions:
Combined oxidative phosphorylation deficiency. Identifiers: MedGen C4540031, MONDO:0000732.
Charcot-Marie-Tooth Neuropathy X. Identifiers: MedGen CN118851.

Submission:

Labcorp Genetics (formerly Invitae), Labcorp
Classification: Uncertain significance for Charcot-Marie-Tooth Neuropathy X; Combined oxidative phosphorylation deficiency. Last evaluated: 2022-09-06. Review status: criteria provided, single submitter. Criteria: Invitae Variant Classification Sherloc (09022015). Collection method: clinical testing. Allele origin: germline.
Comment: In summary, the available evidence is currently insufficient to determine the role of this variant in disease. Therefore, it has been classified as a Variant of Uncertain Significance. Algorithms developed to predict the effect of sequence changes on RNA splicing suggest that this variant is not likely to affect RNA splicing. ClinVar contains an entry for this variant (Variation ID: 1426600). This variant has not been reported in the literature in individuals affected with AIFM1-related conditions. This variant is not present in population databases (gnomAD no frequency). This sequence change affects codon 83 of the AIFM1 mRNA. It is a 'silent' change, meaning that it does not change the encoded amino acid sequence of the AIFM1 protein. It affects a nucleotide within the consensus splice site.

NM_004208.4(AIFM1):c.249T>C (p.Tyr83=)

Genes: AIFM1 (apoptosis inducing factor mitochondria associated 1; minus strand), RAB33A (RAB33A, member RAS oncogene family; plus strand). Cytogenetic location: Xq26.1.
Variant type: single nucleotide variant.
Coding change: c.249T>C on transcript NM_004208.4 (MANE Select); coding-DNA position 249, T replaced by C.
Protein change: p.Tyr83=; no amino-acid change (tyrosine 83 retained).
Molecular consequence: synonymous variant. On other transcripts: intron variant (1).
Genome position (GRCh38, 1-based): chrX:130,156,461, A>G on the plus strand (T>C on the coding strand, the complement: AIFM1 is on the minus strand). VCF-style: chrX-130156461-A-G. GRCh37 (hg19) VCF-style: chrX-129290435-A-G.
Other names: c.249T>C, p.Tyr83= (NM_001130847.4); c.107-1175T>C (NM_145812.3).
Identifiers: ClinVar variation 1426600 (VCV001426600.8), dbSNP rs2124673731, ClinGen allele CA518471037.